The following is an entry in ClinVar:

ClinVar aggregate classification (germline): Uncertain significance (1 of 4 stars; one submission).

Conditions:
Bloom syndrome (BLM). Also called: Bloom-Torre-Machacek syndrome. Identifiers: Orphanet 125, MedGen C0005859, MONDO:0008876, OMIM 210900.

Submission:

Labcorp Genetics (formerly Invitae), Labcorp
Classification: Uncertain significance for Bloom syndrome. Last evaluated: 2022-09-22. Review status: criteria provided, single submitter. Criteria: Invitae Variant Classification Sherloc (09022015). Collection method: clinical testing. Allele origin: germline.
Comment: This sequence change falls in intron 13 of the BLM gene. It does not directly change the encoded amino acid sequence of the BLM protein. This variant is not present in population databases (gnomAD no frequency). This variant has not been reported in the literature in individuals affected with BLM-related conditions. Algorithms developed to predict the effect of sequence changes on RNA splicing suggest that this variant may disrupt the consensus splice site. In summary, the available evidence is currently insufficient to determine the role of this variant in disease. Therefore, it has been classified as a Variant of Uncertain Significance.

NM_000057.4(BLM):c.2663-13G>A

Gene: BLM (BLM RecQ like helicase; plus strand). Cytogenetic location: 15q26.1.
Variant type: single nucleotide variant.
Coding change: c.2663-13G>A on transcript NM_000057.4 (MANE Select); 13 bases into the intron before coding-DNA position 2663, G replaced by A.
Molecular consequence: intron variant.
Genome position (GRCh38, 1-based): chr15:90,784,908, G>A. VCF-style: chr15-90784908-G-A. GRCh37 (hg19) VCF-style: chr15-91328138-G-A.
Other names: c.2663-13G>A (NM_001287246.2, NM_001287247.2); c.1538-13G>A (NM_001287248.2).
Identifiers: ClinVar variation 2031630 (VCV002031630.4), dbSNP rs2505501160, ClinGen allele CA2580090234.
Genomic context (GRCh38, chr15:90,784,908, plus strand): 5'-AAAATGTAGTGTAAATTGTGTTTTTGTTTATGTTAAAAATTCTTGTTTCTCAGTACTCTT[G>A]GTTTCTTGGCAGATGATTCAGGGATAATTTACTGCCTCTCCAGGCGAGAATGTGACACCA-3'